The following is an entry in ClinVar:

NM_000466.3(PEX1):c.2868T>A (p.Val956=)

Genes: GATAD1 (GATA zinc finger domain containing 1; plus strand), PEX1 (peroxisomal biogenesis factor 1; minus strand). Cytogenetic location: 7q21.2.
Variant type: single nucleotide variant.
Coding change: c.2868T>A on transcript NM_000466.3 (MANE Select); coding-DNA position 2868, T replaced by A.
Protein change: p.Val956=; no amino-acid change (valine 956 retained).
Molecular consequence: synonymous variant.
Genome position (GRCh38, 1-based): chr7:92,494,545, A>T on the plus strand (T>A on the coding strand, the complement: PEX1 is on the minus strand). VCF-style: chr7-92494545-A-T. GRCh37 (hg19) VCF-style: chr7-92123859-A-T.
Other names: c.2697T>A, p.Val899= (NM_001282677.2); c.2244T>A, p.Val748= (NM_001282678.2).
Identifiers: ClinVar variation 596342 (VCV000596342.21), dbSNP rs200663477, ClinGen allele CA4340987.

ClinVar aggregate classification (germline): Conflicting classifications of pathogenicity. Review status: criteria provided, conflicting classifications (1 of 4 stars). 6 submissions from 6 submitters: Uncertain significance (1); Likely benign (3). 2 of the submissions do not count toward it. Last evaluated 2026-01-28.

Conditions:
PEX1-related disorder. Also called: PEX1-related condition.
Zellweger spectrum disorders (ZS). Also called: Zellweger Spectrum Disorder; Zellweger Spectrum; Zellweger Spectrum Disorder (ZSD); Zellweger syndrome. Identifiers: Orphanet 912, MedGen C0043459, MONDO:0019609.

Allele frequency attached by ClinVar (database versions not stated): gnomAD exomes 0.00002 and 0.00004; ExAC 0.00007; ESP Exome Variant Server 0.00015; gnomAD 0.00023 and 0.00024; TOPMed 0.00024; 1000 Genomes Project 0.00040; 1000 Genomes Project 30x 0.00062.
gnomAD v4.1: 65 of 1,613,930 alleles (0.004%); highest among the groups gnomAD compares: African/African-American, 0.083%; no homozygotes.

Submissions (6):

Labcorp Genetics (formerly Invitae), Labcorp
Classification: Likely benign for Zellweger spectrum disorders. Last evaluated: 2026-01-28. Review status: criteria provided, single submitter. Criteria: Invitae Variant Classification Sherloc (09022015). Collection method: clinical testing. Allele origin: germline.

Blueprint Genetics
Classification: Likely benign. Last evaluated: 2022-06-13. Review status: criteria provided, single submitter. Criteria: ACMG Guidelines, 2015. Collection method: clinical testing. Allele origin: germline.

Women's Health and Genetics/Laboratory Corporation of America, LabCorp
Classification: Likely benign. Last evaluated: 2020-01-31. Review status: criteria provided, single submitter. Criteria: LabCorp Variant Classification Summary - May 2015. Collection method: clinical testing. Allele origin: germline.

Eurofins Ntd Llc (ga)
Classification: Uncertain significance. Last evaluated: 2018-03-06. Review status: criteria provided, single submitter. Criteria: EGL ClinVar v180209 classification definitions. Collection method: clinical testing. Allele origin: germline. Observed: 1 variant allele, 1 heterozygote.

PreventionGenetics, part of Exact Sciences
Classification: Likely benign for PEX1-related condition. Last evaluated: 2019-10-25. Review status: no assertion criteria provided. Collection method: clinical testing. Allele origin: germline. Not counted in ClinVar's aggregate classification.
Comment: This variant is classified as likely benign based on ACMG/AMP sequence variant interpretation guidelines (Richards et al. 2015 PMID: 25741868, with internal and published modifications).

Natera, Inc.
Classification: Likely benign for Zellweger syndrome. Last evaluated: 2017-10-17. Review status: no assertion criteria provided. Collection method: clinical testing. Allele origin: germline. Not counted in ClinVar's aggregate classification.